The following is an entry in ClinVar:

NM_001130438.3(SPTAN1):c.3865-7C>T

Gene: SPTAN1 (spectrin alpha, non-erythrocytic 1; plus strand). Cytogenetic location: 9q34.11.
Variant type: single nucleotide variant.
Coding change: c.3865-7C>T on transcript NM_001130438.3 (MANE Select); 7 bases into the intron before coding-DNA position 3865, C replaced by T.
Molecular consequence: intron variant.
Genome position (GRCh38, 1-based): chr9:128,605,289, C>T. VCF-style: chr9-128605289-C-T. GRCh37 (hg19) VCF-style: chr9-131367568-C-T.
Other names: c.3865-7C>T (NM_001363759.2, NM_003127.4); c.3805-7C>T (NM_001363765.2, NM_001195532.2).
Identifiers: ClinVar variation 671258 (VCV000671258.9), dbSNP rs1248978165, ClinGen allele CA590941849.
Genomic context (GRCh38, chr9:128,605,289, plus strand): 5'-GCAGAGTCTTCTGTTCTGCAGAGCATACCCCCTTACTGCAAGCTCATTCACCACTTTCTT[C>T]CCATAGGTAAACTCCCTTGGTGAAACAGCAGAGCGCCTGATCCAGTCCCATCCCGAGTCA-3'

ClinVar aggregate classification (germline): Likely benign. Review status: criteria provided, multiple submitters, no conflicts (2 of 4 stars). 2 submissions from 2 submitters: Likely benign (2). Last evaluated 2025-08-20.

Conditions:
Early-infantile DEE. Also called: Ohtahara syndrome; Early infantile epileptic encephalopathy; Early infantile epileptic encephalopathy with suppression bursts. Identifiers: Orphanet 1934, MedGen C0393706, MONDO:0800491.

Allele frequency attached by ClinVar (database versions not stated): gnomAD exomes 0.00001.
gnomAD v4.1: 3 of 1,614,164 alleles (0.00019%); highest among the groups gnomAD compares: Admixed American, 0.005%; no homozygotes.

Submissions (2):

Labcorp Genetics (formerly Invitae), Labcorp
Classification: Likely benign for Early-infantile DEE. Last evaluated: 2025-08-20. Review status: criteria provided, single submitter. Criteria: Invitae Variant Classification Sherloc (09022015). Collection method: clinical testing. Allele origin: germline.

GeneDx
Classification: Likely benign. Last evaluated: 2018-06-12. Review status: criteria provided, single submitter. Criteria: GeneDx Variant Classification (06012015). Collection method: clinical testing. Allele origin: germline. Affected: yes.
Comment: This variant is considered likely benign or benign based on one or more of the following criteria: it is a conservative change, it occurs at a poorly conserved position in the protein, it is predicted to be benign by multiple in silico algorithms, and/or has population frequency not consistent with disease.